The following is an entry in ClinVar:

ClinVar aggregate classification (germline): Pathogenic (1 of 4 stars; one submission).

Conditions:
Early-infantile DEE. Also called: Early infantile epileptic encephalopathy with suppression bursts; Early infantile epileptic encephalopathy; Ohtahara syndrome. Identifiers: Orphanet 1934, MedGen C0393706, MONDO:0800491.

Allele frequency attached by ClinVar (database versions not stated): gnomAD exomes below 0.00001.
gnomAD v4.1: 2 of 1,611,922 alleles (0.00012%); highest among the groups gnomAD compares: Non-Finnish European, 0.00017%; no homozygotes.

Submission:

Labcorp Genetics (formerly Invitae), Labcorp
Classification: Pathogenic for Early-infantile DEE. Last evaluated: 2022-03-12. Review status: criteria provided, single submitter. Criteria: Invitae Variant Classification Sherloc (09022015). Collection method: clinical testing. Allele origin: germline.
Comment: This variant has not been reported in the literature in individuals affected with CACNA2D2-related conditions. For these reasons, this variant has been classified as Pathogenic. This variant is not present in population databases (gnomAD no frequency). This sequence change creates a premature translational stop signal (p.Arg761*) in the CACNA2D2 gene. It is expected to result in an absent or disrupted protein product. Loss-of-function variants in CACNA2D2 are known to be pathogenic (PMID: 24358150).

Literature cited by the submitters: PubMed 24358150.

NM_006030.4(CACNA2D2):c.2281C>T (p.Arg761Ter)

Genes: CACNA2D2 (calcium voltage-gated channel auxiliary subunit alpha2delta 2; minus strand), LOC101928965 (uncharacterized LOC101928965; plus strand), LOC127898564 (CYB561D2-LOC101928965; plus strand). Cytogenetic location: 3p21.31.
Variant type: single nucleotide variant.
Coding change: c.2281C>T on transcript NM_006030.4 (MANE Select); coding-DNA position 2281, C replaced by T.
Protein change: p.Arg761Ter; replaces arginine 761 with a stop codon.
Molecular consequence: nonsense.
Genome position (GRCh38, 1-based): chr3:50,367,658, G>A on the plus strand (C>T on the coding strand, the complement: CACNA2D2 is on the minus strand). VCF-style: chr3-50367658-G-A. GRCh37 (hg19) VCF-style: chr3-50405089-G-A.
Other names: c.2281C>T, p.Arg761Ter (NM_001005505.3); c.2302C>T, p.Arg768Ter (NM_001174051.3); c.2074C>T, p.Arg692Ter (NM_001291101.1); short protein forms R692*, R768*, R761*.
Identifiers: ClinVar variation 1398654 (VCV001398654.7), dbSNP rs1553726252, ClinGen allele CA352914229.
Genomic context (GRCh38, chr3:50,367,658, plus strand): 5'-TCCCTGGCAGGGGCAGGGTTTGGGTAGTGGGATAGGTCACTTACTTGTTGGGGAAGACTC[G>A]GGTGATGCCACCGTCTGTGGCAGCGAACACGGCCAGTAGGCTGTACCTGGGGGTAGCAGG-3'